The following is an entry in ClinVar:

ClinVar aggregate classification (germline): Uncertain significance (1 of 4 stars; one submission).

Submission:

GeneDx
Classification: Uncertain significance. Last evaluated: 2023-05-26. Review status: criteria provided, single submitter. Criteria: GeneDx Variant Classification Process June 2021. Collection method: clinical testing. Allele origin: germline. Affected: yes.
Comment: Not observed at significant frequency in large population cohorts (gnomAD); In silico analysis is inconclusive as to whether the variant alters gene splicing. In the absence of RNA/functional studies, the actual effect of this sequence change is unknown.; Has not been previously published as pathogenic or benign to our knowledge

NM_001014.5(RPS10):c.457-3C>A

Genes: RPS10 (ribosomal protein S10; minus strand), RPS10-NUDT3 (RPS10-NUDT3 readthrough; minus strand). Cytogenetic location: 6p21.31.
Variant type: single nucleotide variant.
Coding change: c.457-3C>A on transcript NM_001014.5 (MANE Select); 3 bases into the intron before coding-DNA position 457, C replaced by A.
Molecular consequence: intron variant.
Genome position (GRCh38, 1-based): chr6:34,417,550, G>T on the plus strand (C>A on the coding strand, the complement: RPS10 is on the minus strand). VCF-style: chr6-34417550-G-T. GRCh37 (hg19) VCF-style: chr6-34385327-G-T.
Other names: c.456+819C>A (NM_001202470.3); c.457-3C>A (NM_001204091.2, NM_001203245.3).
Identifiers: ClinVar variation 3362194 (VCV003362194.1).